The following is an entry in ClinVar:

NM_001395413.1(POR):c.735C>G (p.Tyr245Ter)

Gene: POR (cytochrome p450 oxidoreductase; plus strand). Cytogenetic location: 7q11.23.
Variant type: single nucleotide variant.
Coding change: c.735C>G on transcript NM_001395413.1 (MANE Select); coding-DNA position 735, C replaced by G.
Protein change: p.Tyr245Ter; replaces tyrosine 245 with a stop codon.
Molecular consequence: nonsense.
Genome position (GRCh38, 1-based): chr7:75,982,236, C>G. VCF-style: chr7-75982236-C-G. GRCh37 (hg19) VCF-style: chr7-75611554-C-G.
Other names: c.744C>G, p.Tyr248Ter (NM_000941.2, NM_000941.3); c.735C>G, p.Tyr245Ter (NM_001367562.3, NM_001382657.2, NM_001382658.3 and 2 more transcripts); c.789C>G, p.Tyr263Ter (NM_001382655.3); short protein forms Y245*, Y263*, Y248*.
Identifiers: ClinVar variation 2919493 (VCV002919493.4), dbSNP rs201786397, ClinGen allele CA367748454.

ClinVar aggregate classification (germline): Pathogenic. Review status: criteria provided, multiple submitters, no conflicts (2 of 4 stars). 2 submissions from 2 submitters: Pathogenic (2). Last evaluated 2024-04-23.

Conditions:
Congenital adrenal hyperplasia due to cytochrome P450 oxidoreductase deficiency. Also called: DISORDERED STEROIDOGENESIS DUE TO POR DEFICIENCY. Identifiers: Orphanet 95699, MedGen C1860042, MONDO:0013310, OMIM 613571.
Antley-Bixler syndrome with genital anomalies and disordered steroidogenesis (ABS1). Also called: POR Deficiency. Identifiers: Orphanet 63269, MedGen C3150099, MONDO:0008726, OMIM 201750.

Submissions (2):

Fulgent Genetics
Classification: Pathogenic for Antley-Bixler syndrome with genital anomalies and disordered steroidogenesis; Congenital adrenal hyperplasia due to cytochrome P450 oxidoreductase deficiency. Last evaluated: 2024-04-23. Review status: criteria provided, single submitter. Criteria: ACMG Guidelines, 2015. Collection method: clinical testing. Allele origin: germline.

Labcorp Genetics (formerly Invitae), Labcorp
Classification: Pathogenic for Congenital adrenal hyperplasia due to cytochrome P450 oxidoreductase deficiency. Last evaluated: 2023-09-26. Review status: criteria provided, single submitter. Criteria: Invitae Variant Classification Sherloc (09022015). Collection method: clinical testing. Allele origin: germline.
Comment: For these reasons, this variant has been classified as Pathogenic. This premature translational stop signal has been observed in individual(s) with clinical features of POR deficiency (PMID: 31299979, 31888681). This variant is not present in population databases (gnomAD no frequency). This sequence change creates a premature translational stop signal (p.Tyr248*) in the POR gene. It is expected to result in an absent or disrupted protein product. Loss-of-function variants in POR are known to be pathogenic (PMID: 14758361, 20732302, 21741353).

Literature cited by the submitters: PubMed 31299979 (cited by Labcorp Genetics (formerly Invitae), Labcorp); PubMed 31888681 (cited by Labcorp Genetics (formerly Invitae), Labcorp); PubMed 14758361 (cited by Labcorp Genetics (formerly Invitae), Labcorp); PubMed 20732302 (cited by Labcorp Genetics (formerly Invitae), Labcorp); PubMed 21741353 (cited by Labcorp Genetics (formerly Invitae), Labcorp).